The following is an entry in ClinVar:

ClinVar aggregate classification (germline): Uncertain significance (1 of 4 stars; one submission).

Submission:

Women's Health and Genetics/Laboratory Corporation of America, LabCorp
Classification: Uncertain significance. Last evaluated: 2025-06-03. Review status: criteria provided, single submitter. Criteria: LabCorp Variant Classification Summary - May 2015. Collection method: clinical testing. Allele origin: germline.
Comment: Variant summary: The variant involves the duplication of exons 6-10 in the PRKN gene. A presumed nomenclature of c.(618+1_619-1)_(1167+1_1168-1)dup has been designated for the purposes of this classification. It is assumed to be a tandem duplication in direct orientation (PMIDs: 25640679, 30054569). This Copy Number Variant (CNV) is predicted to result in an in-frame duplication within this gene. The variant was absent in 21694 control chromosomes (gnomAD, structural variant dataset). The available data on variant occurrences in the general population are insufficient to allow any conclusion about variant significance. To our knowledge, no occurrence of c.(618+1_619-1)_(1167+1_1168-1)dup in individuals affected with Autosomal Recessive Juvenile Parkinson Disease 2 and no experimental evidence demonstrating its impact on protein function have been reported. ClinVar contains an entry for this variant (Variation ID: 831849). Based on the evidence outlined above, the variant was classified as uncertain significance.

NC_000006.11:g.(161781238_161807825)_(162394450_162475122)dup

Gene: PRKN (parkin RBR E3 ubiquitin protein ligase; minus strand). Cytogenetic location: 6q26.
Variant type: Duplication.
Identifiers: ClinVar variation 3907423 (VCV003907423.1).